The following is an entry in ClinVar:

NM_024675.4(PALB2):c.2787_2802del (p.Val928_Tyr929insTer)

Gene: PALB2 (partner and localizer of BRCA2; minus strand). Cytogenetic location: 16p12.2.
Variant type: Deletion.
Coding change: c.2787_2802del on transcript NM_024675.4 (MANE Select); coding-DNA positions 2787 to 2802, 16 bases deleted (TAATCTCGTGTGTGTA).
Protein change: p.Val928_Tyr929insTer.
Molecular consequence: nonsense.
Genome position (GRCh38, 1-based): chr16:23,624,041-23,624,056, TACACACACGAGATTA deleted on the plus strand (TAATCTCGTGTGTGTA on the coding strand, the reverse complement: PALB2 is on the minus strand); deleting any 16 consecutive bases within chr16:23,624,041-23,624,062 gives the same sequence; the c. name uses the placement nearest the transcript's 3' end. VCF-style (leftmost placement, unchanged base first): chr16-23624040-CTACACACACGAGATTA-C. GRCh37 (hg19) VCF-style: chr16-23635361-CTACACACACGAGATTA-C.
Other names: c.2787_2802del16 (NM_024675.3); c.2727_2742del, p.Val908_Tyr909insTer (NM_001407296.1); c.2715_2730del, p.Val904_Tyr905insTer (NM_001407297.1); c.2625_2640del, p.Val874_Tyr875insTer (NM_001407298.1, NM_001407302.1); c.2787_2802del, p.Val928_Tyr929insTer (NM_001407299.1, NM_001407300.1, NM_001407301.1); c.1902_1917del, p.Val633_Tyr634insTer (NM_001407304.1, NM_001407305.1, NM_001407306.1 and 4 more transcripts); c.1740_1755del, p.Val579_Tyr580insTer (NM_001407307.1); c.999_1014del, p.Val332_Tyr333insTer (NM_001407312.1, NM_001407313.1); and 1 more.
Identifiers: ClinVar variation 3148580 (VCV003148580.2), dbSNP rs2506349749, ClinGen allele CA2825002425.

ClinVar aggregate classification (germline): Pathogenic. Review status: criteria provided, multiple submitters, no conflicts (2 of 4 stars). 2 submissions from 2 submitters: Pathogenic (2). Last evaluated 2026-02-11.

Conditions:
Familial cancer of breast. Also called: Hereditary breast cancer; hereditary breast carcinoma; BREAST CANCER, FAMILIAL. Identifiers: Orphanet 227535, MedGen C0346153, MONDO:0016419, OMIM 114480. Disease mechanism: loss of function.
Hereditary cancer-predisposing syndrome. Also called: Tumor predisposition; Hereditary Cancer Syndrome; Hereditary neoplastic syndrome; Neoplastic Syndromes, Hereditary. Identifiers: Orphanet 140162, MedGen C0027672, MeSH D009386, MONDO:0015356.

Submissions (2):

Ambry Genetics
Classification: Pathogenic for Hereditary cancer-predisposing syndrome. Last evaluated: 2026-02-11. Review status: criteria provided, single submitter. Criteria: Ambry Variant Classification Scheme 2023. Collection method: clinical testing. Allele origin: germline.
Comment: The c.2787_2802del16 pathogenic mutation, located in coding exon 8 of the PALB2 gene, results from a deletion of 16 nucleotides at nucleotide positions 2787 to 2802, causing a translational frameshift with a predicted alternate stop codon (p.Y929*). This variant is considered to be rare based on population cohorts in the Genome Aggregation Database (gnomAD). This variant is expected to result in loss of function by premature protein truncation or nonsense-mediated mRNA decay. As such, this variant is interpreted as a disease-causing mutation.

Myriad Genetics, Inc.
Classification: Pathogenic for Familial cancer of breast. Last evaluated: 2024-01-17. Review status: criteria provided, single submitter. Criteria: Myriad Autosomal Dominant, Autosomal Recessive and X-Linked Classification Criteria (2023). Collection method: clinical testing. Allele origin: unknown.
Comment: This variant is considered pathogenic. This variant creates a termination codon and is predicted to result in premature protein truncation.